The following is an entry in ClinVar:

ClinVar aggregate classification (germline): Uncertain significance (1 of 4 stars; one submission).

Conditions:
Inborn genetic diseases. Identifiers: MedGen C0950123, MeSH D030342.

Submission:

Ambry Genetics
Classification: Uncertain significance for Inborn genetic diseases. Last evaluated: 2025-03-06. Review status: criteria provided, single submitter. Criteria: Ambry Variant Classification Scheme 2023. Collection method: clinical testing. Allele origin: germline.
Comment: The p.K1904E variant (also known as c.5710A>G), located in coding exon 21 of the FANCM gene, results from an A to G substitution at nucleotide position 5710. The lysine at codon 1904 is replaced by glutamic acid, an amino acid with similar properties. This amino acid position is conserved. In addition, the in silico prediction for this alteration is inconclusive. Based on the available evidence, the clinical significance of this variant remains unclear.

NM_020937.4(FANCM):c.5710A>G (p.Lys1904Glu)

Gene: FANCM (FA complementation group M; plus strand). Cytogenetic location: 14q21.2.
Variant type: single nucleotide variant.
Coding change: c.5710A>G on transcript NM_020937.4 (MANE Select); coding-DNA position 5710, A replaced by G.
Protein change: p.Lys1904Glu; replaces lysine 1904 with glutamic acid.
Molecular consequence: missense variant.
Genome position (GRCh38, 1-based): chr14:45,196,541, A>G. VCF-style: chr14-45196541-A-G. GRCh37 (hg19) VCF-style: chr14-45665744-A-G.
Other names: c.5632A>G, p.Lys1878Glu (NM_001308133.2); short protein forms K1878E, K1904E.
Identifiers: ClinVar variation 3848795 (VCV003848795.1).